The following is an entry in ClinVar:

NM_000875.5(IGF1R):c.4082T>G (p.Leu1361Arg)

Gene: IGF1R (insulin like growth factor 1 receptor; plus strand). Cytogenetic location: 15q26.3.
Variant type: single nucleotide variant.
Coding change: c.4082T>G on transcript NM_000875.5 (MANE Select); coding-DNA position 4082, T replaced by G.
Protein change: p.Leu1361Arg; replaces leucine 1361 with arginine.
Molecular consequence: missense variant.
Genome position (GRCh38, 1-based): chr15:98,957,420, T>G. VCF-style: chr15-98957420-T-G. GRCh37 (hg19) VCF-style: chr15-99500649-T-G.
Other names: c.4079T>G, p.Leu1360Arg (NM_001291858.2); short protein forms L1360R, L1361R.
Identifiers: ClinVar variation 2198308 (VCV002198308.4), dbSNP rs754763188, ClinGen allele CA7752892.

ClinVar aggregate classification (germline): Uncertain significance (1 of 4 stars; one submission).

Allele frequency attached by ClinVar (database versions not stated): TOPMed 0.00003; gnomAD exomes 0.00004; gnomAD 0.00007; ExAC 0.00012.
gnomAD v4.1: 64 of 1,613,134 alleles (0.004%); highest among the groups gnomAD compares: Non-Finnish European, 0.0051%; no homozygotes.

Submission:

Labcorp Genetics (formerly Invitae), Labcorp
Classification: Uncertain significance. Last evaluated: 2025-03-07. Review status: criteria provided, single submitter. Criteria: Invitae Variant Classification Sherloc (09022015). Collection method: clinical testing. Allele origin: germline.
Comment: This sequence change replaces leucine, which is neutral and non-polar, with arginine, which is basic and polar, at codon 1361 of the IGF1R protein (p.Leu1361Arg). This variant is present in population databases (rs754763188, gnomAD 0.02%). This variant has not been reported in the literature in individuals affected with IGF1R-related conditions. ClinVar contains an entry for this variant (Variation ID: 2198308). An algorithm developed to predict the effect of missense changes on protein structure and function (PolyPhen-2) suggests that this variant is likely to be disruptive. Experimental studies are conflicting or provide insufficient evidence to determine the effect of this variant on IGF1R function (PMID: 22693602). In summary, the available evidence is currently insufficient to determine the role of this variant in disease. Therefore, it has been classified as a Variant of Uncertain Significance.

Literature cited by the submitters: PubMed 22693602.